The following is an entry in ClinVar:

ClinVar aggregate classification (germline): Uncertain significance (1 of 4 stars; one submission).

Conditions:
NRIP1-related disorder. Also called: NRIP1-related condition.

Submission:

PreventionGenetics, part of Exact Sciences
Classification: Uncertain significance for NRIP1-related condition. Last evaluated: 2024-10-13. Review status: criteria provided, single submitter. Criteria: ACMG Guidelines, 2015. Collection method: clinical testing. Allele origin: germline.
Comment: The NRIP1 c.262C>G variant is predicted to result in the amino acid substitution p.Gln88Glu. To our knowledge, this variant has not been reported in the literature or in a large population database (gnomAD), indicating this variant is rare. At this time, the clinical significance of this variant is uncertain due to the absence of conclusive functional and genetic evidence.

NM_003489.4(NRIP1):c.262C>G (p.Gln88Glu)

Gene: NRIP1 (nuclear receptor interacting protein 1; minus strand). Cytogenetic location: 21q11.2.
Variant type: single nucleotide variant.
Coding change: c.262C>G on transcript NM_003489.4 (MANE Select); coding-DNA position 262, C replaced by G.
Protein change: p.Gln88Glu; replaces glutamine 88 with glutamic acid.
Molecular consequence: missense variant.
Genome position (GRCh38, 1-based): chr21:14,967,931, G>C on the plus strand (C>G on the coding strand, the complement: NRIP1 is on the minus strand). VCF-style: chr21-14967931-G-C. GRCh37 (hg19) VCF-style: chr21-16340252-G-C.
Other names: c.262C>G, p.Gln88Glu (NM_001439275.1, NM_001439276.1, NM_001439277.1 and 10 more transcripts); short protein forms Q88E.
Identifiers: ClinVar variation 5002527 (VCV005002527.1).